The following is an entry in ClinVar:

ClinVar aggregate classification (germline): Uncertain significance. Review status: criteria provided, multiple submitters, no conflicts (2 of 4 stars). 2 submissions from 2 submitters: Uncertain significance (2). Last evaluated 2024-07-02.

Conditions:
Inborn genetic diseases. Identifiers: MedGen C0950123, MeSH D030342.

Submissions (2):

Labcorp Genetics (formerly Invitae), Labcorp
Classification: Uncertain significance. Last evaluated: 2024-07-02. Review status: criteria provided, single submitter. Criteria: Invitae Variant Classification Sherloc (09022015). Collection method: clinical testing. Allele origin: germline.
Comment: This sequence change replaces methionine, which is neutral and non-polar, with valine, which is neutral and non-polar, at codon 164 of the ATP1A1 protein (p.Met164Val). This variant is not present in population databases (gnomAD no frequency). This variant has not been reported in the literature in individuals affected with ATP1A1-related conditions. ClinVar contains an entry for this variant (Variation ID: 2541185). Advanced modeling of protein sequence and biophysical properties (such as structural, functional, and spatial information, amino acid conservation, physicochemical variation, residue mobility, and thermodynamic stability) performed at Invitae indicates that this missense variant is not expected to disrupt ATP1A1 protein function with a negative predictive value of 80%. In summary, the available evidence is currently insufficient to determine the role of this variant in disease. Therefore, it has been classified as a Variant of Uncertain Significance.

Ambry Genetics
Classification: Uncertain significance for Inborn genetic diseases. Last evaluated: 2023-04-26. Review status: criteria provided, single submitter. Criteria: Ambry Variant Classification Scheme 2023. Collection method: clinical testing. Allele origin: germline.

NM_000701.8(ATP1A1):c.490A>G (p.Met164Val)

Gene: ATP1A1 (ATPase Na+/K+ transporting subunit alpha 1; plus strand). Cytogenetic location: 1p13.1.
Variant type: single nucleotide variant.
Coding change: c.490A>G on transcript NM_000701.8 (MANE Select); coding-DNA position 490, A replaced by G.
Protein change: p.Met164Val; replaces methionine 164 with valine.
Molecular consequence: missense variant.
Genome position (GRCh38, 1-based): chr1:116,388,233, A>G. VCF-style: chr1-116388233-A-G. GRCh37 (hg19) VCF-style: chr1-116930855-A-G.
Other names: c.490A>G, p.Met164Val (NM_001160233.2); c.397A>G, p.Met133Val (NM_001160234.2); short protein forms M133V, M164V.
Identifiers: ClinVar variation 2541185 (VCV002541185.4), dbSNP rs2525827630, ClinGen allele CA341842378.
Genomic context (GRCh38, chr1:116,388,233, plus strand): 5'-GGTTGCTTCTCCTACTATCAAGAAGCTAAAAGTTCAAAGATCATGGAATCCTTCAAAAAC[A>G]TGGTCCCTCAGGTACCAGACGCTTTGTCCTTCCCCAGTGGATGACTTGACAGCCCCAAGC-3'
Protein context (NP_000692.2, residues 154-174): SSKIMESFKN[Met164Val]VPQQALVIRN